The following is an entry in ClinVar:

ClinVar aggregate classification (germline): Conflicting classifications of pathogenicity. Review status: criteria provided, conflicting classifications (1 of 4 stars). 2 submissions from 2 submitters: Uncertain significance (1); Likely benign (1). Last evaluated 2025-11-03.

Conditions:
Inborn genetic diseases. Identifiers: MedGen C0950123, MeSH D030342.

Allele frequency attached by ClinVar (database versions not stated): gnomAD 0.00004; TOPMed 0.00005; ExAC 0.00012.
gnomAD v4.1: 102 of 1,614,086 alleles (0.0063%); highest among the groups gnomAD compares: South Asian, 0.077%; no homozygotes.

Submissions (2):

Ambry Genetics
Classification: Uncertain significance for Inborn genetic diseases. Last evaluated: 2025-11-03. Review status: criteria provided, single submitter. Criteria: Ambry Variant Classification Scheme 2023. Collection method: clinical testing. Allele origin: germline.

CeGaT Center for Human Genetics Tuebingen
Classification: Likely benign. Last evaluated: 2024-02-01. Review status: criteria provided, single submitter. Criteria: CeGaT Center For Human Genetics Tuebingen Variant Classification Criteria Version 2. Collection method: clinical testing. Allele origin: germline. Affected: yes. Observed: 1 variant allele.
Comment: PCDHGC4: BP4

NM_018928.3(PCDHGC4):c.1955G>T (p.Ser652Ile)

Genes: PCDHG@ (protocadherin gamma cluster; plus strand), PCDHGA1 (protocadherin gamma subfamily A, 1; plus strand), PCDHGA10 (protocadherin gamma subfamily A, 10; plus strand), PCDHGA11 (protocadherin gamma subfamily A, 11; plus strand), PCDHGA12 (protocadherin gamma subfamily A, 12; plus strand) and 17 more. Cytogenetic location: 5q31.3.
Variant type: single nucleotide variant.
Coding change: c.1955G>T on transcript NM_018928.3 (MANE Select); coding-DNA position 1955, G replaced by T.
Protein change: p.Ser652Ile; replaces serine 652 with isoleucine.
Molecular consequence: missense variant. On other transcripts: intron variant (23).
Genome position (GRCh38, 1-based): chr5:141,487,128, G>T. VCF-style: chr5-141487128-G-T. GRCh37 (hg19) VCF-style: chr5-140866695-G-T.
Other names: c.1955G>T (NM_018928.2); c.1955G>T, p.Ser652Ile (NM_032406.1); c.2422-7679G>T (NM_018912.3, NM_018923.3, NM_018918.3); c.2425-7679G>T (NM_018915.4, NM_018916.4, NM_018919.3 and 4 more transcripts); c.2410-7679G>T (NM_018922.3); c.2515-7679G>T (NM_018917.4); c.2416-7679G>T (NM_018924.5, NM_018927.4); c.2398-7679G>T (NM_003736.4, NM_018925.3); and 7 more; short protein forms S652I.
Identifiers: ClinVar variation 3025035 (VCV003025035.22), dbSNP rs565927415, ClinGen allele CA3477937.